The following is an entry in ClinVar:

ClinVar aggregate classification (germline): Uncertain significance (1 of 4 stars; one submission).

Conditions:
Dilated cardiomyopathy 1G (CMD1G). Identifiers: Orphanet 154, MedGen C1858763, MONDO:0011400, OMIM 604145.
Autosomal recessive limb-girdle muscular dystrophy type 2J (LGMDR10). Also called: MUSCULAR DYSTROPHY, LIMB-GIRDLE, AUTOSOMAL RECESSIVE 10; Limb-girdle muscular dystrophy, type 2J. Identifiers: Orphanet 140922, MedGen C1837342, MONDO:0012127, OMIM 608807.

Submission:

Labcorp Genetics (formerly Invitae), Labcorp
Classification: Uncertain significance for Dilated cardiomyopathy 1G; Autosomal recessive limb-girdle muscular dystrophy type 2J. Last evaluated: 2021-10-07. Review status: criteria provided, single submitter. Criteria: Invitae Variant Classification Sherloc (09022015). Collection method: clinical testing. Allele origin: germline.
Comment: In summary, the available evidence is currently insufficient to determine the role of this variant in disease. Therefore, it has been classified as a Variant of Uncertain Significance. This variant is located in the M band of TTN (PMID: 25589632). Variants in this region may be relevant for neuromuscular disorders, but have not been definitively shown to cause cardiomyopathy (PMID: 23975875). Experimental studies and prediction algorithms are not available or were not evaluated, and the functional significance of this variant is currently unknown. This variant has not been reported in the literature in individuals affected with TTN-related conditions. This variant is not present in population databases (ExAC no frequency). This sequence change replaces valine with leucine at codon 34232 of the TTN protein (p.Val34232Leu). There is a small physicochemical difference between valine and leucine.

Literature cited by the submitters: PubMed 25589632; PubMed 23975875.

NM_001267550.2(TTN):c.102694G>C (p.Val34232Leu)

Genes: TTN-AS1 (TTN antisense RNA 1; plus strand), TTN (titin; minus strand). Cytogenetic location: 2q31.2.
Variant type: single nucleotide variant.
Coding change: c.102694G>C on transcript NM_001267550.2 (MANE Select); coding-DNA position 102694, G replaced by C.
Protein change: p.Val34232Leu; replaces valine 34232 with leucine.
Molecular consequence: missense variant.
Genome position (GRCh38, 1-based): chr2:178,533,921, C>G on the plus strand (G>C on the coding strand, the complement: TTN is on the minus strand). VCF-style: chr2-178533921-C-G. GRCh37 (hg19) VCF-style: chr2-179398648-C-G.
Other names: c.97771G>C, p.Val32591Leu (NM_001256850.1); c.75499G>C, p.Val25167Leu (NM_003319.4); c.94990G>C, p.Val31664Leu (NM_133378.4); c.75874G>C, p.Val25292Leu (NM_133432.3); c.76075G>C, p.Val25359Leu (NM_133437.4); short protein forms V25292L, V31664L, V34232L, V25167L, V25359L, V32591L.
Identifiers: ClinVar variation 1441470 (VCV001441470.6), dbSNP rs2154135535, ClinGen allele CA349416965.